The following is an entry in ClinVar:

ClinVar aggregate classification (germline): Pathogenic (1 of 4 stars; one submission).

Conditions:
Neuronal ceroid lipofuscinosis 5 (CLN5). Also called: CEROID LIPOFUSCINOSIS, NEURONAL, 5, VARIABLE AGE AT ONSET; Neuronal ceroid lipofuscinosis Finnish variant; NEURONAL CEROID LIPOFUSCINOSIS, LATE INFANTILE, FINNISH VARIANT; CLN5-Related Neuronal Ceroid-Lipofuscinosis. Identifiers: Orphanet 168491, Orphanet 228360, MedGen C1850442, MONDO:0009745, OMIM 256731.

Submission:

Myriad Genetics, Inc.
Classification: Pathogenic for Neuronal ceroid lipofuscinosis 5. Last evaluated: 2023-09-27. Review status: criteria provided, single submitter. Criteria: Myriad Autosomal Dominant, Autosomal Recessive and X-Linked Classification Criteria (2023). Collection method: clinical testing. Allele origin: unknown.
Comment: NM_006493.2(CLN5):c.259dupG(V87Gfs*24) is expected to be pathogenic in the context of CLN5-related neuronal ceroid lipofuscinosis. This variant is predicted to lead to an abnormal or absent protein product due to the creation of a premature termination codon in CLN5, a gene where loss-of-function variants are known to be pathogenic. Please note: this variant was assessed in the context of healthy population screening.

NM_006493.4(CLN5):c.112dup (p.Val38fs)

Genes: CLN5 (CLN5 lysosomal BMP synthase; plus strand), LOC130009913 (ATAC-STARR-seq lymphoblastoid silent region 5414; plus strand). Cytogenetic location: 13q22.3.
Variant type: Duplication.
Coding change: c.112dup on transcript NM_006493.4 (MANE Select); coding-DNA position 112, one base duplicated (G; older notation c.112dupG).
Protein change: p.Val38fs; shifts the reading frame from valine 38.
Molecular consequence: frameshift variant.
Genome position (GRCh38, 1-based): chr13:76,992,210, G duplicated; the last of 2 consecutive G bases (chr13:76,992,209-76,992,210); duplicating either gives the same sequence. VCF-style (leftmost placement, unchanged base first): chr13-76992208-T-TG. GRCh37 (hg19) VCF-style: chr13-77566343-T-TG.
Other names: c.112dup, p.Val38fs (NM_001366624.2); short protein forms V38fs.
Identifiers: ClinVar variation 5012274 (VCV005012274.1).